The following is an entry in ClinVar:

ClinVar aggregate classification (germline): Uncertain significance. Review status: criteria provided, multiple submitters, no conflicts (2 of 4 stars). 5 submissions from 5 submitters: Uncertain significance (4). 1 of the submissions does not count toward it. Last evaluated 2024-10-28.

Conditions:
GNPTG-mucolipidosis. Also called: ML III GAMMA; ML IIIC; Mucolipidosis type III gamma; MUCOLIPIDOSIS III, COMPLEMENTATION GROUP C; MUCOLIPIDOSIS III, IRANIAN VARIANT FORM; MUCOLIPIDOSIS III, VARIANT FORM. Identifiers: Orphanet 423470, Orphanet 577, MedGen C1854896, MONDO:0009652, OMIM 252605.

Allele frequency attached by ClinVar (database versions not stated): gnomAD 0.00026 and 0.00030; 1000 Genomes Project 30x 0.00031; TOPMed 0.00033.
gnomAD v4.1: 114 of 1,317,908 alleles (0.0087%); highest among the groups gnomAD compares: Middle Eastern, 0.11%; 1 homozygote.

Submissions (5):

Blueprint Genetics
Classification: Uncertain significance. Last evaluated: 2024-10-28. Review status: criteria provided, single submitter. Criteria: ACMG Guidelines, 2015. Collection method: clinical testing. Allele origin: germline.

Labcorp Genetics (formerly Invitae), Labcorp
Classification: Uncertain significance. Last evaluated: 2022-10-18. Review status: criteria provided, single submitter. Criteria: Invitae Variant Classification Sherloc (09022015). Collection method: clinical testing. Allele origin: germline.
Comment: This sequence change replaces alanine, which is neutral and non-polar, with valine, which is neutral and non-polar, at codon 3 of the GNPTG protein (p.Ala3Val). The frequency data for this variant in the population databases is considered unreliable, as metrics indicate poor data quality at this position in the gnomAD database. This missense change has been observed in individual(s) with non-syndromic stuttering (PMID: 26130485). ClinVar contains an entry for this variant (Variation ID: 658914). Algorithms developed to predict the effect of missense changes on protein structure and function output the following: SIFT: "Tolerated"; PolyPhen-2: "Not Available"; Align-GVGD: "Class C0". The valine amino acid residue is found in multiple mammalian species, which suggests that this missense change does not adversely affect protein function. In summary, the available evidence is currently insufficient to determine the role of this variant in disease. Therefore, it has been classified as a Variant of Uncertain Significance.

Genome-Nilou Lab
Classification: Uncertain significance for GNPTG-mucolipidosis. Last evaluated: 2021-11-07. Review status: criteria provided, single submitter. Criteria: ACMG Guidelines, 2015. Collection method: clinical testing. Allele origin: germline. Affected: no.

Illumina Laboratory Services, Illumina
Classification: Uncertain significance for GNPTG-mucolipidosis. Last evaluated: 2017-04-27. Review status: criteria provided, single submitter. Criteria: ICSL Variant Classification Criteria 13 December 2019. Collection method: clinical testing. Allele origin: germline.
Comment: This variant was observed as part of a predisposition screen in an ostensibly healthy population. A literature search was performed for the gene, cDNA change, and amino acid change (where applicable). Publications were found based on this search. However, the evidence from the literature, in combination with allele frequency data from public databases where available, was not sufficient to rule this variant in or out of causing disease. Therefore, this variant is classified as a variant of unknown significance.

Natera, Inc.
Classification: Uncertain significance for Mucolipidosis III gamma. Last evaluated: 2020-09-16. Review status: no assertion criteria provided. Collection method: clinical testing. Allele origin: germline. Not counted in ClinVar's aggregate classification.

Literature cited by the submitters: PubMed 26130485 (cited by Labcorp Genetics (formerly Invitae), Labcorp and Illumina Laboratory Services, Illumina).

NM_032520.5(GNPTG):c.8C>T (p.Ala3Val)

Genes: GNPTG (N-acetylglucosamine-1-phosphate transferase subunit gamma; plus strand), LOC130058158 (ATAC-STARR-seq lymphoblastoid silent region 6972; plus strand). Cytogenetic location: 16p13.3.
Variant type: single nucleotide variant.
Coding change: c.8C>T on transcript NM_032520.5 (MANE Select); coding-DNA position 8, C replaced by T.
Protein change: p.Ala3Val; replaces alanine 3 with valine.
Molecular consequence: missense variant.
Genome position (GRCh38, 1-based): chr16:1,351,973, C>T. VCF-style: chr16-1351973-C-T. GRCh37 (hg19) VCF-style: chr16-1401974-C-T.
Other names: short protein forms A3V.
Identifiers: ClinVar variation 658914 (VCV000658914.12), dbSNP rs867217705, ClinGen allele CA276642448.